The following is an entry in ClinVar:

ClinVar aggregate classification (germline): Conflicting classifications of pathogenicity. Review status: criteria provided, conflicting classifications (1 of 4 stars). 3 submissions from 3 submitters: Uncertain significance (1); Likely benign (1). 1 of the submissions does not count toward it. Last evaluated 2026-01-13.

Conditions:
ANO10-related disorder. Also called: ANO10-related condition.
Autosomal recessive spinocerebellar ataxia 10. Identifiers: Orphanet 284289, MedGen C3150998, MONDO:0013392, OMIM 613728.

Allele frequency attached by ClinVar (database versions not stated): ExAC 0.00011; gnomAD exomes 0.00016; gnomAD 0.00018 and 0.00020; ESP Exome Variant Server 0.00023; TOPMed 0.00027; 1000 Genomes Project 0.00040; 1000 Genomes Project 30x 0.00047.
gnomAD v4.1: 230 of 1,613,180 alleles (0.014%); highest among the groups gnomAD compares: Middle Eastern, 0.082%; 1 homozygote.

Submissions (3):

Labcorp Genetics (formerly Invitae), Labcorp
Classification: Likely benign. Last evaluated: 2026-01-13. Review status: criteria provided, single submitter. Criteria: Invitae Variant Classification Sherloc (09022015). Collection method: clinical testing. Allele origin: germline.

Illumina Laboratory Services, Illumina
Classification: Uncertain significance for Autosomal recessive spinocerebellar ataxia 10. Last evaluated: 2018-01-12. Review status: criteria provided, single submitter. Criteria: ICSL Variant Classification Criteria 13 December 2019. Collection method: clinical testing. Allele origin: germline.

PreventionGenetics, part of Exact Sciences
Classification: Likely benign for ANO10-related condition. Last evaluated: 2019-04-29. Review status: no assertion criteria provided. Collection method: clinical testing. Allele origin: germline. Not counted in ClinVar's aggregate classification.
Comment: This variant is classified as likely benign based on ACMG/AMP sequence variant interpretation guidelines (Richards et al. 2015 PMID: 25741868, with internal and published modifications).

NM_018075.5(ANO10):c.473-6G>A

Gene: ANO10 (anoctamin 10; minus strand). Cytogenetic location: 3p22.1.
Variant type: single nucleotide variant.
Coding change: c.473-6G>A on transcript NM_018075.5 (MANE Select); 6 bases into the intron before coding-DNA position 473, G replaced by A.
Molecular consequence: intron variant.
Genome position (GRCh38, 1-based): chr3:43,580,478, C>T on the plus strand (G>A on the coding strand, the complement: ANO10 is on the minus strand). VCF-style: chr3-43580478-C-T. GRCh37 (hg19) VCF-style: chr3-43621970-C-T.
Other names: c.275-6G>A (NM_001346469.2, NM_001204832.3, NM_001346466.2); c.473-6G>A (NM_001346468.2, NM_001204834.3, NM_001346465.2 and 5 more transcripts); c.140-6G>A (NM_001204833.3).
Identifiers: ClinVar variation 902716 (VCV000902716.9), dbSNP rs184416837, ClinGen allele CA2341038.